The following is an entry in ClinVar:

ClinVar aggregate classification (germline): Benign/Likely benign. Review status: criteria provided, multiple submitters, no conflicts (2 of 4 stars). 5 submissions from 5 submitters: Benign (4); Likely benign (1). Last evaluated 2026-02-03.

Conditions:
Succinate-semialdehyde dehydrogenase deficiency (SSADHD). Also called: GABA METABOLIC DEFECT; SSADH DEFICIENCY; 4-HYDROXYBUTYRIC ACIDURIA; Succinic Semialdehyde Dehydrogenase Deficiency. Identifiers: Orphanet 22, MedGen C0268631, MONDO:0010083, OMIM 271980.

Allele frequency attached by ClinVar (database versions not stated): gnomAD exomes 0.01960 and 0.02195; ExAC 0.02040; 1000 Genomes Project 30x 0.01312; 1000 Genomes Project 0.01318; TOPMed 0.01408; gnomAD 0.01442 and 0.01466; ESP Exome Variant Server 0.01545.
gnomAD v4.1: 33,975 of 1,613,416 alleles (2.1%); highest among the groups gnomAD compares: South Asian, 3.8%; 457 homozygotes.

Submissions (5):

Labcorp Genetics (formerly Invitae), Labcorp
Classification: Benign for Succinate-semialdehyde dehydrogenase deficiency. Last evaluated: 2026-02-03. Review status: criteria provided, single submitter. Criteria: Invitae Variant Classification Sherloc (09022015). Collection method: clinical testing. Allele origin: germline.

Mayo Clinic Laboratories, Mayo Clinic
Classification: Benign. Last evaluated: 2025-01-06. Review status: criteria provided, single submitter. Criteria: ACMG Guidelines, 2015. Collection method: clinical testing. Allele origin: germline. Observed: 35 variant alleles.
Comment: BS1, BS2, BP7

Blueprint Genetics
Classification: Likely benign. Last evaluated: 2024-11-26. Review status: criteria provided, single submitter. Criteria: ACMG Guidelines, 2015. Collection method: clinical testing. Allele origin: germline.

GeneDx
Classification: Benign. Last evaluated: 2018-08-06. Review status: criteria provided, single submitter. Criteria: GeneDx Variant Classification Process June 2021. Collection method: clinical testing. Allele origin: germline. Affected: yes.

Illumina Laboratory Services, Illumina
Classification: Benign for Succinate-semialdehyde dehydrogenase deficiency. Last evaluated: 2018-01-13. Review status: criteria provided, single submitter. Criteria: ICSL Variant Classification Criteria 13 December 2019. Collection method: clinical testing. Allele origin: germline.
Comment: This variant was observed in the ICSL laboratory as part of a predisposition screen in an ostensibly healthy population. It had not been previously curated by ICSL or reported in the Human Gene Mutation Database (HGMD: prior to June 1st, 2018), and was therefore a candidate for classification through an automated scoring system. Utilizing variant allele frequency, disease prevalence and penetrance estimates, and inheritance mode, an automated score was calculated to assess if this variant is too frequent to cause the disease. Based on the score and internal cut-off values, a variant classified as benign is not then subjected to further curation. The score for this variant resulted in a classification of benign for this disease.

NM_001080.3(ALDH5A1):c.726+3G>A

Gene: ALDH5A1 (aldehyde dehydrogenase 5 family member A1; plus strand). Cytogenetic location: 6p22.3.
Variant type: single nucleotide variant.
Coding change: c.726+3G>A on transcript NM_001080.3 (MANE Select); 3 bases into the intron after coding-DNA position 726, G replaced by A.
Molecular consequence: intron variant.
Genome position (GRCh38, 1-based): chr6:24,504,988, G>A. VCF-style: chr6-24504988-G-A. GRCh37 (hg19) VCF-style: chr6-24505216-G-A.
Other names: p.?; c.726+3G>A (NM_170740.1, NM_001368954.1).
Identifiers: ClinVar variation 356134 (VCV000356134.19), dbSNP rs114082057, ClinGen allele CA3656703.